The following is an entry in ClinVar:

NM_001257180.2(SLC20A2):c.1045A>G (p.Lys349Glu)

Gene: SLC20A2 (solute carrier family 20 member 2; minus strand). Cytogenetic location: 8p11.21.
Variant type: single nucleotide variant.
Coding change: c.1045A>G on transcript NM_001257180.2 (MANE Select); coding-DNA position 1045, A replaced by G.
Protein change: p.Lys349Glu; replaces lysine 349 with glutamic acid.
Molecular consequence: missense variant.
Genome position (GRCh38, 1-based): chr8:42,437,467, T>C on the plus strand (A>G on the coding strand, the complement: SLC20A2 is on the minus strand). VCF-style: chr8-42437467-T-C. GRCh37 (hg19) VCF-style: chr8-42294985-T-C.
Other names: c.1045A>G, p.Lys349Glu (NM_001257181.2, NM_006749.5); c.1045A>G (NM_006749.4); short protein forms K349E.
Identifiers: ClinVar variation 3319045 (VCV003319045.2).

ClinVar aggregate classification (germline): Uncertain significance. Review status: criteria provided, multiple submitters, no conflicts (2 of 4 stars). 2 submissions from 2 submitters: Uncertain significance (2). Last evaluated 2024-04-08.

Conditions:
Inborn genetic diseases. Identifiers: MedGen C0950123, MeSH D030342.

gnomAD v4.1: 11 of 1,614,046 alleles (0.00068%); highest among the groups gnomAD compares: Non-Finnish European, 0.00093%; no homozygotes.

Submissions (2):

Ambry Genetics
Classification: Uncertain significance for Inborn genetic diseases. Last evaluated: 2024-04-08. Review status: criteria provided, single submitter. Criteria: Ambry Variant Classification Scheme 2023. Collection method: clinical testing. Allele origin: germline.

GeneDx
Classification: Uncertain significance. Last evaluated: 2023-11-28. Review status: criteria provided, single submitter. Criteria: GeneDx Variant Classification Process June 2021. Collection method: clinical testing. Allele origin: germline. Affected: yes.
Comment: Not observed at significant frequency in large population cohorts (gnomAD); In silico analysis supports that this missense variant does not alter protein structure/function; Has not been previously published as pathogenic or benign to our knowledge